The following is an entry in ClinVar:

NM_001379500.1(COL18A1):c.3500A>C (p.His1167Pro)

Genes: COL18A1 (collagen type XVIII alpha 1 chain; plus strand), SLC19A1 (solute carrier family 19 member 1; minus strand). Cytogenetic location: 21q22.3.
Variant type: single nucleotide variant.
Coding change: c.3500A>C on transcript NM_001379500.1 (MANE Select); coding-DNA position 3500, A replaced by C.
Protein change: p.His1167Pro; replaces histidine 1167 with proline.
Molecular consequence: missense variant.
Genome position (GRCh38, 1-based): chr21:45,510,068, A>C. VCF-style: chr21-45510068-A-C. GRCh37 (hg19) VCF-style: chr21-46929982-A-C.
Other names: c.4031A>C, p.His1344Pro (NM_030582.4); c.4736A>C, p.His1579Pro (NM_130444.3); short protein forms H1344P, H1167P, H1579P.
Identifiers: ClinVar variation 2693605 (VCV002693605.3), dbSNP rs2517855347, ClinGen allele CA410501404.

ClinVar aggregate classification (germline): Uncertain significance (1 of 4 stars; one submission).

Submission:

Labcorp Genetics (formerly Invitae), Labcorp
Classification: Uncertain significance. Last evaluated: 2023-11-06. Review status: criteria provided, single submitter. Criteria: Invitae Variant Classification Sherloc (09022015). Collection method: clinical testing. Allele origin: germline.
Comment: This sequence change replaces histidine, which is basic and polar, with proline, which is neutral and non-polar, at codon 1164 of the COL18A1 protein (p.His1164Pro). This variant is not present in population databases (gnomAD no frequency). This variant has not been reported in the literature in individuals affected with COL18A1-related conditions. Experimental studies and prediction algorithms are not available or were not evaluated, and the functional significance of this variant is currently unknown. In summary, the available evidence is currently insufficient to determine the role of this variant in disease. Therefore, it has been classified as a Variant of Uncertain Significance.